The following is an entry in ClinVar:

NM_032444.4(SLX4):c.4764del (p.Lys1588fs)

Gene: SLX4 (SLX4 structure-specific endonuclease subunit; minus strand). Cytogenetic location: 16p13.3.
Variant type: Deletion.
Coding change: c.4764del on transcript NM_032444.4 (MANE Select); coding-DNA position 4764, one base deleted (A; older notation c.4764delA).
Protein change: p.Lys1588fs; shifts the reading frame from lysine 1588.
Molecular consequence: frameshift variant.
Genome position (GRCh38, 1-based): chr16:3,583,486, T deleted on the plus strand (A on the coding strand, the reverse complement: SLX4 is on the minus strand); the first of 3 consecutive T bases (chr16:3,583,486-3,583,488); deleting any one gives the same sequence. VCF-style (leftmost placement, unchanged base first): chr16-3583485-GT-G. GRCh37 (hg19) VCF-style: chr16-3633486-GT-G.
Other names: short protein forms K1588fs.
Identifiers: ClinVar variation 1412283 (VCV001412283.6), dbSNP rs1567166655, ClinGen allele CA620713934.
Genomic context (GRCh38, chr16:3,583,485, plus strand): 5'-CTGAGTCCAGGGTCTGGTGAGTGTACTGGAATATCTCCTTCAGCTTCAGAACCATCTGGC[GT>G]TTAGGCAGAGGGCGGACTCCAAACCTGACGGAGGAACAGGTGGATCTCAGGACCCACCCA-3'

ClinVar aggregate classification (germline): Pathogenic (1 of 4 stars; one submission).

Conditions:
Fanconi anemia (FA). Also called: Fanconi's anemia. Identifiers: Orphanet 84, MedGen C0015625, MeSH D005199, MONDO:0019391.

Submission:

Labcorp Genetics (formerly Invitae), Labcorp
Classification: Pathogenic for Fanconi anemia. Last evaluated: 2021-09-29. Review status: criteria provided, single submitter. Criteria: Invitae Variant Classification Sherloc (09022015). Collection method: clinical testing. Allele origin: germline.
Comment: This sequence change creates a premature translational stop signal (p.Lys1588Asnfs*6) in the SLX4 gene. It is expected to result in an absent or disrupted protein product. Loss-of-function variants in SLX4 are known to be pathogenic (PMID: 21240277). This variant is not present in population databases (ExAC no frequency). This variant has not been reported in the literature in individuals affected with SLX4-related conditions. For these reasons, this variant has been classified as Pathogenic.

Literature cited by the submitters: PubMed 21240277.